The following is an entry in ClinVar:

NM_001367949.2(FAT3):c.4095G>A (p.Pro1365=)

Gene: FAT3 (FAT atypical cadherin 3; plus strand). Cytogenetic location: 11q14.3.
Variant type: single nucleotide variant.
Coding change: c.4095G>A on transcript NM_001367949.2 (MANE Select); coding-DNA position 4095, G replaced by A.
Protein change: p.Pro1365=; no amino-acid change (proline 1365 retained).
Molecular consequence: synonymous variant.
Genome position (GRCh38, 1-based): chr11:92,764,989, G>A. VCF-style: chr11-92764989-G-A. GRCh37 (hg19) VCF-style: chr11-92498155-G-A.
Other names: c.4095G>A, p.Pro1365= (NM_001008781.3).
Identifiers: ClinVar variation 3389220 (VCV003389220.14).
Genomic context (GRCh38, chr11:92,764,989, plus strand): 5'-CCACATTGAATGGATTAAGAAACCACCCCCTTCACCTATACCATTGACCTTCGATGAGCC[G>A]TTTTATAACTTCACAGTCATGGAAAGTGATAGAGTGACTGAAATTGTAGGGGTGGTGTCT-3'
Protein context (NP_001354878.1, residues 1355-1375): PSPIPLTFDE[Pro1365=]FYNFTVMESD

ClinVar aggregate classification (germline): Likely benign (1 of 4 stars; one submission).

gnomAD v4.1: 51 of 1,613,658 alleles (0.0032%); highest among the groups gnomAD compares: African/African-American, 0.0067%; no homozygotes.

Submission:

CeGaT Center for Human Genetics Tuebingen
Classification: Likely benign. Last evaluated: 2024-09-01. Review status: criteria provided, single submitter. Criteria: CeGaT Center For Human Genetics Tuebingen Variant Classification Criteria Version 2. Collection method: clinical testing. Allele origin: germline. Affected: yes. Observed: 1 variant allele.
Comment: FAT3: BP4, BP7